The following is an entry in ClinVar:

NM_001370298.3(FGD4):c.*4991A>G

Gene: FGD4 (FYVE, RhoGEF and PH domain containing 4; plus strand). Cytogenetic location: 12p11.21.
Variant type: single nucleotide variant.
Coding change: c.*4991A>G on transcript NM_001370298.3 (MANE Select); 4991 bases downstream of the stop codon, A replaced by G.
Molecular consequence: 3 prime UTR variant.
Genome position (GRCh38, 1-based): chr12:32,645,524, A>G. VCF-style: chr12-32645524-A-G. GRCh37 (hg19) VCF-style: chr12-32798458-A-G.
Other names: c.*4991A>G (NM_001304481.2, NM_001304484.2, NM_001330373.2 and 5 more transcripts); c.*899A>G (NM_001384126.1, NM_001384127.1, NM_001384128.1).
Identifiers: ClinVar variation 308372 (VCV000308372.6), dbSNP rs1239830, ClinGen allele CA10640959.

ClinVar aggregate classification (germline): Benign. Review status: criteria provided, multiple submitters, no conflicts (2 of 4 stars). 2 submissions from 2 submitters: Benign (2). Last evaluated 2018-01-13.

Conditions:
Charcot-Marie-Tooth disease type 4H (CMT4H). Also called: CHARCOT-MARIE-TOOTH DISEASE, AUTOSOMAL RECESSIVE, TYPE 4H; CHARCOT-MARIE-TOOTH DISEASE, DEMYELINATING, AUTOSOMAL RECESSIVE, TYPE 4H; CHARCOT-MARIE-TOOTH NEUROPATHY, TYPE 4H; CHARCOT-MARIE-TOOTH DISEASE, DEMYELINATING, TYPE 4H. Identifiers: Orphanet 99954, MedGen C1836336, MONDO:0012250, OMIM 609311.

Allele frequency attached by ClinVar (database versions not stated): TOPMed 0.98848; gnomAD 0.98871 and 0.98950; 1000 Genomes Project 30x 0.98969; 1000 Genomes Project 0.99022; gnomAD exomes 1.00000.
gnomAD v4.1: 150,536 of 152,118 alleles (99%); highest among the groups gnomAD compares: Middle Eastern, 100%; 74,505 homozygotes.

Submissions (2):

Illumina Laboratory Services, Illumina
Classification: Benign for Charcot-Marie-Tooth disease type 4H. Last evaluated: 2018-01-13. Review status: criteria provided, single submitter. Criteria: ICSL Variant Classification Criteria 13 December 2019. Collection method: clinical testing. Allele origin: germline.
Comment: This variant was observed in the ICSL laboratory as part of a predisposition screen in an ostensibly healthy population. It had not been previously curated by ICSL or reported in the Human Gene Mutation Database (HGMD: prior to June 1st, 2018), and was therefore a candidate for classification through an automated scoring system. Utilizing variant allele frequency, disease prevalence and penetrance estimates, and inheritance mode, an automated score was calculated to assess if this variant is too frequent to cause the disease. Based on the score and internal cut-off values, a variant classified as benign is not then subjected to further curation. The score for this variant resulted in a classification of benign for this disease.

Breakthrough Genomics
Classification: Benign. Review status: criteria provided, single submitter. Criteria: ACMG Guidelines, 2015. Collection method: not provided. Allele origin: germline. Inheritance: Autosomal recessive inheritance. Affected: yes.